The following is an entry in ClinVar:

ClinVar aggregate classification (germline): Uncertain significance (1 of 4 stars; one submission).

gnomAD v4.1: 6 of 1,096,970 alleles (0.00055%); highest among the groups gnomAD compares: South Asian, 0.013%; no homozygotes.

Submission:

Labcorp Genetics (formerly Invitae), Labcorp
Classification: Uncertain significance. Last evaluated: 2023-07-12. Review status: criteria provided, single submitter. Criteria: Invitae Variant Classification Sherloc (09022015). Collection method: clinical testing. Allele origin: germline.
Comment: In summary, the available evidence is currently insufficient to determine the role of this variant in disease. Therefore, it has been classified as a Variant of Uncertain Significance. Experimental studies and prediction algorithms are not available or were not evaluated, and the functional significance of this variant is currently unknown. This variant has not been reported in the literature in individuals affected with FOXI3-related conditions. The frequency data for this variant in the population databases is considered unreliable, as metrics indicate insufficient coverage at this position in the gnomAD database. This sequence change replaces glycine, which is neutral and non-polar, with serine, which is neutral and polar, at codon 103 of the FOXI3 protein (p.Gly103Ser).

NM_001135649.3(FOXI3):c.307G>A (p.Gly103Ser)

Gene: FOXI3 (forkhead box I3; minus strand). Cytogenetic location: 2p11.2.
Variant type: single nucleotide variant.
Coding change: c.307G>A on transcript NM_001135649.3 (MANE Select); coding-DNA position 307, G replaced by A.
Protein change: p.Gly103Ser; replaces glycine 103 with serine.
Molecular consequence: missense variant.
Genome position (GRCh38, 1-based): chr2:88,452,229, C>T on the plus strand (G>A on the coding strand, the complement: FOXI3 is on the minus strand). VCF-style: chr2-88452229-C-T. GRCh37 (hg19) VCF-style: chr2-88751748-C-T.
Other names: short protein forms G103S.
Identifiers: ClinVar variation 2802649 (VCV002802649.3), dbSNP rs1462576454, ClinGen allele CA347766631.
Genomic context (GRCh38, chr2:88,452,229, plus strand): 5'-GCGCGGCGGGCGAGGCGGGCGCGGCGGGCGCGGGCTGCGCGAAGGGCCGCTGAGAGCAGC[C>T]GAAGGTGCCGGCGGCAGGCGGTGGCTGCAGAAAGGGCCCGGCCGCGGCCCCGGGGGGCGG-3'
Protein context (NP_001129121.1, residues 93-113): LQPPPAAGTF[Gly103Ser]CSQRPFAQPA